The following is an entry in ClinVar:

NM_015559.3(SETBP1):c.3212C>T (p.Ala1071Val)

Gene: SETBP1 (SET binding protein 1; plus strand). Cytogenetic location: 18q12.3.
Variant type: single nucleotide variant.
Coding change: c.3212C>T on transcript NM_015559.3 (MANE Select); coding-DNA position 3212, C replaced by T.
Protein change: p.Ala1071Val; replaces alanine 1071 with valine.
Molecular consequence: missense variant.
Genome position (GRCh38, 1-based): chr18:44,952,552, C>T. VCF-style: chr18-44952552-C-T. GRCh37 (hg19) VCF-style: chr18-42532517-C-T.
Other names: c.3212C>T, p.Ala1071Val (NM_001379141.1, NM_001379142.1); short protein forms A1071V.
Identifiers: ClinVar variation 1417953 (VCV001417953.8), dbSNP rs1193534370, ClinGen allele CA402323879.

ClinVar aggregate classification (germline): Uncertain significance (1 of 4 stars; one submission).

Allele frequency attached by ClinVar (database versions not stated): gnomAD exomes below 0.00001; TOPMed below 0.00001; gnomAD 0.00001.
gnomAD v4.1: 7 of 1,614,022 alleles (0.00043%); highest among the groups gnomAD compares: Non-Finnish European, 0.00059%; no homozygotes.

Submission:

Labcorp Genetics (formerly Invitae), Labcorp
Classification: Uncertain significance. Last evaluated: 2025-10-13. Review status: criteria provided, single submitter. Criteria: Invitae Variant Classification Sherloc (09022015). Collection method: clinical testing. Allele origin: germline.
Comment: This sequence change replaces alanine, which is neutral and non-polar, with valine, which is neutral and non-polar, at codon 1071 of the SETBP1 protein (p.Ala1071Val). This variant is present in population databases (no rsID available, gnomAD 0.007%). This variant has not been reported in the literature in individuals affected with SETBP1-related conditions. ClinVar contains an entry for this variant (Variation ID: 1417953). Invitae Evidence Modeling of protein sequence and biophysical properties (such as structural, functional, and spatial information, amino acid conservation, physicochemical variation, residue mobility, and thermodynamic stability) has been performed for this missense variant. However, the output from this modeling did not meet the statistical confidence thresholds required to predict the impact of this variant on SETBP1 protein function. In summary, the available evidence is currently insufficient to determine the role of this variant in disease. Therefore, it has been classified as a Variant of Uncertain Significance.